The following is an entry in ClinVar:

ClinVar aggregate classification (germline): Uncertain significance. Review status: criteria provided, multiple submitters, no conflicts (2 of 4 stars). 2 submissions from 2 submitters: Uncertain significance (2). Last evaluated 2024-06-17.

Allele frequency attached by ClinVar (database versions not stated): gnomAD exomes below 0.00001; TOPMed below 0.00001; gnomAD 0.00001; ExAC 0.00002.
gnomAD v4.1: 3 of 1,607,588 alleles (0.00019%); highest among the groups gnomAD compares: East Asian, 0.0068%; no homozygotes.

Submissions (2):

Blueprint Genetics
Classification: Uncertain significance. Last evaluated: 2024-06-17. Review status: criteria provided, single submitter. Criteria: ACMG Guidelines, 2015. Collection method: clinical testing. Allele origin: germline.

Labcorp Genetics (formerly Invitae), Labcorp
Classification: Uncertain significance. Last evaluated: 2022-05-12. Review status: criteria provided, single submitter. Criteria: Invitae Variant Classification Sherloc (09022015). Collection method: clinical testing. Allele origin: germline.
Comment: In summary, the available evidence is currently insufficient to determine the role of this variant in disease. Therefore, it has been classified as a Variant of Uncertain Significance. Algorithms developed to predict the effect of missense changes on protein structure and function output the following: SIFT: "Deleterious"; PolyPhen-2: "Benign"; Align-GVGD: "Class C0". The glutamine amino acid residue is found in multiple mammalian species, which suggests that this missense change does not adversely affect protein function. This variant has not been reported in the literature in individuals affected with PCARE-related conditions. This variant is present in population databases (rs758276598, gnomAD 0.02%). This sequence change replaces lysine, which is basic and polar, with glutamine, which is neutral and polar, at codon 1100 of the PCARE protein (p.Lys1100Gln).

NM_001029883.3(PCARE):c.3298A>C (p.Lys1100Gln)

Gene: PCARE (photoreceptor cilium actin regulator; minus strand). Cytogenetic location: 2p23.2.
Variant type: single nucleotide variant.
Coding change: c.3298A>C on transcript NM_001029883.3 (MANE Select); coding-DNA position 3298, A replaced by C.
Protein change: p.Lys1100Gln; replaces lysine 1100 with glutamine.
Molecular consequence: missense variant.
Genome position (GRCh38, 1-based): chr2:29,070,964, T>G on the plus strand (A>C on the coding strand, the complement: PCARE is on the minus strand). VCF-style: chr2-29070964-T-G. GRCh37 (hg19) VCF-style: chr2-29293830-T-G.
Other names: short protein forms K1100Q.
Identifiers: ClinVar variation 1993742 (VCV001993742.4), dbSNP rs758276598, ClinGen allele CA1591970.